The following is an entry in ClinVar:

ClinVar aggregate classification (germline): Likely benign (1 of 4 stars; one submission).

Allele frequency attached by ClinVar (database versions not stated): gnomAD exomes below 0.00001; gnomAD 0.00001.
gnomAD v4.1: 4 of 1,549,614 alleles (0.00026%); highest among the groups gnomAD compares: Non-Finnish European, 0.00035%; no homozygotes.

Submission:

Laboratory for Molecular Medicine, Mass General Brigham Personalized Medicine
Classification: Likely benign. Last evaluated: 2015-06-08. Review status: criteria provided, single submitter. Criteria: LMM Criteria. Collection method: clinical testing. Allele origin: germline. Observed: 1 variant allele.
Comment: c.328+15C>T in intron 3 of OTOG: This variant is not expected to have clinical s ignificance because it is not located within the splice consensus sequence.

NM_001292063.2(OTOG):c.292+15C>T

Gene: OTOG (otogelin; plus strand). Cytogenetic location: 11p15.1.
Variant type: single nucleotide variant.
Coding change: c.292+15C>T on transcript NM_001292063.2 (MANE Select); 15 bases into the intron after coding-DNA position 292, C replaced by T.
Molecular consequence: intron variant.
Genome position (GRCh38, 1-based): chr11:17,552,090, C>T. VCF-style: chr11-17552090-C-T. GRCh37 (hg19) VCF-style: chr11-17573637-C-T.
Other names: c.328+15C>T (NM_001277269.2).
Identifiers: ClinVar variation 227774 (VCV000227774.5), dbSNP rs876657554, ClinGen allele CA10576851.
Genomic context (GRCh38, chr11:17,552,090, plus strand): 5'-TCTTCCTGGGAAAGGCGGCTCCATCGGGCCAAGTGTGCACCATCCTGTAAGTGGCACCTT[C>T]ACTGTGGTCCATGGGTTGTGCATGGGAGAGCCCTGGCAGAGGCCTGAAAGGGCAGAGGGC-3'